The following is an entry in ClinVar:

ClinVar aggregate classification (germline): Uncertain significance (1 of 4 stars; one submission).

Submission:

Labcorp Genetics (formerly Invitae), Labcorp
Classification: Uncertain significance. Last evaluated: 2024-04-17. Review status: criteria provided, single submitter. Criteria: Invitae Variant Classification Sherloc (09022015). Collection method: clinical testing. Allele origin: germline.
Comment: This sequence change affects codon 239 of the LRRC10 mRNA. It is a 'silent' change, meaning that it does not change the encoded amino acid sequence of the LRRC10 protein. This variant is present in population databases (rs768486345, gnomAD 0.002%). This variant has not been reported in the literature in individuals affected with LRRC10-related conditions. In summary, the available evidence is currently insufficient to determine the role of this variant in disease. Therefore, it has been classified as a Variant of Uncertain Significance.

NM_201550.4(LRRC10):c.717A>G (p.Arg239=)

Gene: LRRC10 (leucine rich repeat containing 10; minus strand). Cytogenetic location: 12q15.
Variant type: single nucleotide variant.
Coding change: c.717A>G on transcript NM_201550.4 (MANE Select); coding-DNA position 717, A replaced by G.
Protein change: p.Arg239=; no amino-acid change (arginine 239 retained).
Molecular consequence: synonymous variant.
Genome position (GRCh38, 1-based): chr12:69,610,122, T>C on the plus strand (A>G on the coding strand, the complement: LRRC10 is on the minus strand). VCF-style: chr12-69610122-T-C. GRCh37 (hg19) VCF-style: chr12-70003902-T-C.
Identifiers: ClinVar variation 3649696 (VCV003649696.2).